The following is an entry in ClinVar:

ClinVar aggregate classification (germline): Uncertain significance. Review status: criteria provided, multiple submitters, no conflicts (2 of 4 stars). 2 submissions from 2 submitters: Uncertain significance (2). Last evaluated 2025-11-03.

Submissions (2):

Labcorp Genetics (formerly Invitae), Labcorp
Classification: Uncertain significance. Last evaluated: 2025-11-03. Review status: criteria provided, single submitter. Criteria: Invitae Variant Classification Sherloc (09022015). Collection method: clinical testing. Allele origin: germline.
Comment: This sequence change replaces serine, which is neutral and polar, with alanine, which is neutral and non-polar, at codon 679 of the COL9A3 protein (p.Ser679Ala). This variant is not present in population databases (gnomAD no frequency). This variant has not been reported in the literature in individuals affected with COL9A3-related conditions. Invitae Evidence Modeling of protein sequence and biophysical properties (such as structural, functional, and spatial information, amino acid conservation, physicochemical variation, residue mobility, and thermodynamic stability) indicates that this missense variant is not expected to disrupt COL9A3 protein function with a negative predictive value of 95%. In summary, the available evidence is currently insufficient to determine the role of this variant in disease. Therefore, it has been classified as a Variant of Uncertain Significance.

Blueprint Genetics
Classification: Uncertain significance. Last evaluated: 2021-03-23. Review status: criteria provided, single submitter. Criteria: ACMG Guidelines, 2015. Collection method: clinical testing. Allele origin: germline.

NM_001853.4(COL9A3):c.2035T>G (p.Ser679Ala)

Gene: COL9A3 (collagen type IX alpha 3 chain; plus strand). Cytogenetic location: 20q13.33.
Variant type: single nucleotide variant.
Coding change: c.2035T>G on transcript NM_001853.4 (MANE Select); coding-DNA position 2035, T replaced by G.
Protein change: p.Ser679Ala; replaces serine 679 with alanine.
Molecular consequence: missense variant.
Genome position (GRCh38, 1-based): chr20:62,840,712, T>G. VCF-style: chr20-62840712-T-G. GRCh37 (hg19) VCF-style: chr20-61472064-T-G.
Other names: short protein forms S679A.
Identifiers: ClinVar variation 4803151 (VCV004803151.2).
Genomic context (GRCh38, chr20:62,840,712, plus strand): 5'-CCGGGGATCTGCGACACCTCAGCCTGCCAAGGAGCCGTGTTAGGAGGGGTCGGGGAGAAA[T>G]CAGGCTCTCGAAGCTCATAAAATTCAACGTGAGGAAGCAAGTGACAAGGACGCCCGAAGC-3'
Protein context (NP_001844.3, residues 669-684): GAVLGGVGEK[Ser679Ala]GSRSS